The following is an entry in ClinVar:

ClinVar aggregate classification (germline): Uncertain significance (1 of 4 stars; one submission).

Allele frequency attached by ClinVar (database versions not stated): TOPMed 0.00007; gnomAD 0.00008 and 0.00009; ESP Exome Variant Server 0.00015; ExAC 0.00016; gnomAD exomes 0.00016.
gnomAD v4.1: 540 of 1,613,622 alleles (0.033%); highest among the groups gnomAD compares: Non-Finnish European, 0.044%; no homozygotes.

Submission:

Labcorp Genetics (formerly Invitae), Labcorp
Classification: Uncertain significance. Last evaluated: 2022-06-10. Review status: criteria provided, single submitter. Criteria: Invitae Variant Classification Sherloc (09022015). Collection method: clinical testing. Allele origin: germline.
Comment: This sequence change replaces arginine, which is basic and polar, with glutamine, which is neutral and polar, at codon 189 of the C8A protein (p.Arg189Gln). This variant is present in population databases (rs147003861, gnomAD 0.03%). This variant has not been reported in the literature in individuals affected with C8A-related conditions. Algorithms developed to predict the effect of missense changes on protein structure and function output the following: SIFT: "Tolerated"; PolyPhen-2: "Benign"; Align-GVGD: "Class C0". The glutamine amino acid residue is found in multiple mammalian species, which suggests that this missense change does not adversely affect protein function. In summary, the available evidence is currently insufficient to determine the role of this variant in disease. Therefore, it has been classified as a Variant of Uncertain Significance.

NM_000562.3(C8A):c.566G>A (p.Arg189Gln)

Gene: C8A (complement C8 alpha chain; plus strand). Cytogenetic location: 1p32.2.
Variant type: single nucleotide variant.
Coding change: c.566G>A on transcript NM_000562.3 (MANE Select); coding-DNA position 566, G replaced by A.
Protein change: p.Arg189Gln; replaces arginine 189 with glutamine.
Molecular consequence: missense variant.
Genome position (GRCh38, 1-based): chr1:56,881,546, G>A. VCF-style: chr1-56881546-G-A. GRCh37 (hg19) VCF-style: chr1-57347219-G-A.
Other names: short protein forms R189Q.
Identifiers: ClinVar variation 1438663 (VCV001438663.3), dbSNP rs147003861, ClinGen allele CA875079.